The following is an entry in ClinVar:

NM_173842.3(IL1RN):c.205+94T>G

Gene: IL1RN (interleukin 1 receptor antagonist; plus strand). Cytogenetic location: 2q14.1.
Variant type: single nucleotide variant.
Coding change: c.205+94T>G on transcript NM_173842.3 (MANE Select); 94 bases into the intron after coding-DNA position 205, T replaced by G.
Molecular consequence: intron variant.
Genome position (GRCh38, 1-based): chr2:113,129,758, T>G. VCF-style: chr2-113129758-T-G. GRCh37 (hg19) VCF-style: chr2-113887335-T-G.
Other names: c.103+94T>G (NM_001318914.2, NM_173843.3, NM_001379360.1); c.214+94T>G (NM_173841.3); c.151+94T>G (NM_000577.5).
Identifiers: ClinVar variation 1248659 (VCV001248659.5), dbSNP rs2232354, ClinGen allele CA11159443.

ClinVar aggregate classification (germline): Benign. Review status: criteria provided, multiple submitters, no conflicts (2 of 4 stars). 3 submissions from 3 submitters: Benign (3). Last evaluated 2023-11-12.

Allele frequency attached by ClinVar (database versions not stated): 1000 Genomes Project 0.11661; 1000 Genomes Project 30x 0.11696; gnomAD 0.14142 and 0.14449; TOPMed 0.14254; gnomAD exomes 0.19042.
gnomAD v4.1: 154,031 of 846,010 alleles (18%); highest among the groups gnomAD compares: Middle Eastern, 32%; 15,930 homozygotes.

Submissions (3):

Unidad de Genómica Garrahan, Hospital de Pediatría Garrahan
Classification: Benign. Last evaluated: 2023-11-12. Review status: criteria provided, single submitter. Criteria: ACMG Guidelines, 2015. Collection method: clinical testing. Allele origin: germline. Affected: no. Observed: 28 variant alleles.
Comment: This variant is classified as Benign based on local population frequency. This variant was detected in 29% of patients studied by a panel of primary immunodeficiencies. Number of patients: 28. Only high quality variants are reported.

GeneDx
Classification: Benign. Last evaluated: 2021-05-12. Review status: criteria provided, single submitter. Criteria: GeneDx Variant Classification Process June 2021. Collection method: clinical testing. Allele origin: germline. Affected: yes.

Breakthrough Genomics
Classification: Benign. Review status: criteria provided, single submitter. Criteria: ACMG Guidelines, 2015. Collection method: not provided. Allele origin: germline. Inheritance: Autosomal recessive inheritance. Affected: yes.